The following is an entry in ClinVar:

ClinVar aggregate classification (germline): Benign/Likely benign. Review status: criteria provided, multiple submitters, no conflicts (2 of 4 stars). 12 submissions from 9 submitters: Benign (5); Likely benign (7). Last evaluated 2026-06-01.

Conditions:
TTN-related disorder. Also called: TTN-related disorders; TTN-related condition; TTN-related disease.
Cardiomyopathy (CMYO). Also called: Cardiomyopathies. Identifiers: Orphanet 167848, MedGen C0878544, MONDO:0004994, HP:0001638. Inheritance: Various modes of inheritance.
Dilated cardiomyopathy 1G (CMD1G). Identifiers: Orphanet 154, MedGen C1858763, MONDO:0011400, OMIM 604145.
Autosomal recessive limb-girdle muscular dystrophy type 2J (LGMDR10). Also called: Limb-girdle muscular dystrophy, type 2J; MUSCULAR DYSTROPHY, LIMB-GIRDLE, AUTOSOMAL RECESSIVE 10. Identifiers: Orphanet 140922, MedGen C1837342, MONDO:0012127, OMIM 608807.
Cardiovascular phenotype. Identifiers: MedGen CN230736.
Myopathy, myofibrillar, 9, with early respiratory failure (MFM9). Also called: MYOPATHY, PROXIMAL, WITH EARLY RESPIRATORY MUSCLE INVOLVEMENT; Myopathy, distal, with early respiratory failure, autosomal dominant; Hereditary myopathy with early respiratory failure; EDSTROM MYOPATHY. Identifiers: Orphanet 178464, Orphanet 34521, MedGen C1863599, MONDO:0011362, OMIM 603689.
Early-onset myopathy with fatal cardiomyopathy (CMYO5). Also called: CONGENITAL MYOPATHY 5 WITH CARDIOMYOPATHY; Salih Myopathy. Identifiers: Orphanet 289377, MedGen C2673677, MONDO:0012714, OMIM 611705. Disease mechanism: loss of function.
Tibial muscular dystrophy (TMD). Also called: Udd Distal Myopathy – Tibial Muscular Dystrophy; Tibial muscular dystrophy, tardive; UDD MYOPATHY. Identifiers: Orphanet 609, MedGen C1838244, MONDO:0010870, OMIM 600334.

Allele frequency attached by ClinVar (database versions not stated): gnomAD exomes 0.00004; ExAC 0.00007; gnomAD 0.00007; ESP Exome Variant Server 0.00008; TOPMed 0.00011; 1000 Genomes Project 30x 0.00031; 1000 Genomes Project 0.00040.
gnomAD v4.1: 77 of 1,613,602 alleles (0.0048%); highest among the groups gnomAD compares: African/African-American, 0.063%; 1 homozygote.

Submissions (12):

CeGaT Center for Human Genetics Tuebingen
Classification: Likely benign. Last evaluated: 2026-06-01. Review status: criteria provided, single submitter. Criteria: CeGaT Center For Human Genetics Tuebingen Variant Classification Criteria Version 2. Collection method: clinical testing. Allele origin: germline. Affected: yes. Observed: 6 variant alleles.
Comment: TTN: BP4, BP7

Labcorp Genetics (formerly Invitae), Labcorp
Classification: Likely benign for Dilated cardiomyopathy 1G; Autosomal recessive limb-girdle muscular dystrophy type 2J. Last evaluated: 2026-01-05. Review status: criteria provided, single submitter. Criteria: Invitae Variant Classification Sherloc (09022015). Collection method: clinical testing. Allele origin: germline.

PreventionGenetics, part of Exact Sciences
Classification: Likely benign for TTN-related condition. Last evaluated: 2025-02-26. Review status: criteria provided, single submitter. Criteria: ACMG Guidelines, 2015. Collection method: clinical testing. Allele origin: germline.
Comment: This variant is classified as likely benign based on ACMG/AMP sequence variant interpretation guidelines (Richards et al. 2015 PMID: 25741868, with internal and published modifications).

Blueprint Genetics
Classification: Likely benign. Last evaluated: 2024-09-16. Review status: criteria provided, single submitter. Criteria: ACMG Guidelines, 2015. Collection method: clinical testing. Allele origin: germline.

CHEO Genetics Diagnostic Laboratory, Children's Hospital of Eastern Ontario
Classification: Likely benign for Cardiomyopathy. Last evaluated: 2021-09-22. Review status: criteria provided, single submitter. Criteria: ACMG Guidelines, 2015. Collection method: clinical testing. Allele origin: germline.

Genome-Nilou Lab
Classification: Benign for Autosomal recessive limb-girdle muscular dystrophy type 2J. Last evaluated: 2021-09-10. Review status: criteria provided, single submitter. Criteria: ACMG Guidelines, 2015. Collection method: clinical testing. Allele origin: germline. Affected: no.

Genome-Nilou Lab
Classification: Benign for Myopathy, myofibrillar, 9, with early respiratory failure. Last evaluated: 2021-09-10. Review status: criteria provided, single submitter. Criteria: ACMG Guidelines, 2015. Collection method: clinical testing. Allele origin: germline. Affected: no.

Genome-Nilou Lab
Classification: Benign for Early-onset myopathy with fatal cardiomyopathy. Last evaluated: 2021-09-10. Review status: criteria provided, single submitter. Criteria: ACMG Guidelines, 2015. Collection method: clinical testing. Allele origin: germline. Affected: no.

Genome-Nilou Lab
Classification: Benign for Tibial muscular dystrophy. Last evaluated: 2021-09-10. Review status: criteria provided, single submitter. Criteria: ACMG Guidelines, 2015. Collection method: clinical testing. Allele origin: germline. Affected: no.

Ambry Genetics
Classification: Likely benign for Cardiovascular phenotype. Last evaluated: 2019-07-30. Review status: criteria provided, single submitter. Criteria: Ambry Variant Classification Scheme 2023. Collection method: clinical testing. Allele origin: germline.

Laboratory for Molecular Medicine, Mass General Brigham Personalized Medicine
Classification: Likely benign. Last evaluated: 2017-06-01. Review status: criteria provided, single submitter. Criteria: LMM Criteria. Collection method: clinical testing. Allele origin: germline. Observed: 1 variant allele.
Comment: p.Gly20934Gly in exon 275 of TTN: This variant is not expected to have clinical significance because it does not alter an amino acid residue and is not located within the splice consensus sequence. It has been identified in 7/34402 Latino c hromosomes by the Genome Aggregation Database (gnomAD; dbSNP rs181702963).

Athena Diagnostics
Classification: Benign. Last evaluated: 2016-12-31. Review status: criteria provided, single submitter. Criteria: Athena Diagnostics Criteria. Collection method: clinical testing. Allele origin: germline.

NM_001267550.2(TTN):c.70506G>T (p.Gly23502=)

Genes: TTN (titin; minus strand), TTN-AS1 (TTN antisense RNA 1; plus strand), LOC126806422 (BRD4-independent group 4 enhancer GRCh37_chr2:179440205-179441404; plus strand). Cytogenetic location: 2q31.2.
Variant type: single nucleotide variant.
Coding change: c.70506G>T on transcript NM_001267550.2 (MANE Select); coding-DNA position 70506, G replaced by T.
Protein change: p.Gly23502=; no amino-acid change (glycine 23502 retained).
Molecular consequence: synonymous variant.
Genome position (GRCh38, 1-based): chr2:178,575,626, C>A on the plus strand (G>T on the coding strand, the complement: TTN is on the minus strand). VCF-style: chr2-178575626-C-A. GRCh37 (hg19) VCF-style: chr2-179440353-C-A.
Other names: c.65583G>T, p.Gly21861= (NM_001256850.1); c.43311G>T, p.Gly14437= (NM_003319.4); c.43686G>T, p.Gly14562= (NM_133432.3); c.43887G>T, p.Gly14629= (NM_133437.4); c.62802G>T, p.Gly20934= (NM_133378.4).
Identifiers: ClinVar variation 448815 (VCV000448815.47), dbSNP rs181702963, ClinGen allele CA1990774.